The following is an entry in ClinVar:

ClinVar aggregate classification (germline): Uncertain significance (1 of 4 stars; one submission).

Conditions:
Inborn genetic diseases. Identifiers: MedGen C0950123, MeSH D030342.

Submission:

Ambry Genetics
Classification: Uncertain significance for Inborn genetic diseases. Last evaluated: 2022-12-16. Review status: criteria provided, single submitter. Criteria: Ambry Variant Classification Scheme 2023. Collection method: clinical testing. Allele origin: germline.
Comment: The p.K1154Q variant (also known as c.3460A>C), located in coding exon 25 of the LRRK2 gene, results from an A to C substitution at nucleotide position 3460. The lysine at codon 1154 is replaced by glutamine, an amino acid with similar properties. This amino acid position is conserved. In addition, this alteration is predicted to be tolerated by in silico analysis. Since supporting evidence is limited at this time, the clinical significance of this alteration remains unclear.

NM_198578.4(LRRK2):c.3460A>C (p.Lys1154Gln)

Gene: LRRK2 (leucine rich repeat kinase 2; plus strand). Cytogenetic location: 12q12.
Variant type: single nucleotide variant.
Coding change: c.3460A>C on transcript NM_198578.4 (MANE Select); coding-DNA position 3460, A replaced by C.
Protein change: p.Lys1154Gln; replaces lysine 1154 with glutamine.
Molecular consequence: missense variant.
Genome position (GRCh38, 1-based): chr12:40,299,221, A>C. VCF-style: chr12-40299221-A-C. GRCh37 (hg19) VCF-style: chr12-40693023-A-C.
Other names: short protein forms K1154Q.
Identifiers: ClinVar variation 2453051 (VCV002453051.2), dbSNP rs202169917, ClinGen allele CA384415919.
Genomic context (GRCh38, chr12:40,299,221, plus strand): 5'-TTAAACCTTAGTAAGAACCACATTTCATCCCTATCAGAGAACTTTCTTGAGGCTTGTCCT[A>C]AAGTGGAGAGTTTCAGTGCCAGAATGAATTTTCTTGGTAAGTGTTCTGTGTGGGTCTCCT-3'
Protein context (NP_940980.4, residues 1144-1164): LSENFLEACP[Lys1154Gln]VESFSARMNF